The following is an entry in ClinVar:

NM_032444.4(SLX4):c.2742T>G (p.Asp914Glu)

Gene: SLX4 (SLX4 structure-specific endonuclease subunit; minus strand). Cytogenetic location: 16p13.3.
Variant type: single nucleotide variant.
Coding change: c.2742T>G on transcript NM_032444.4 (MANE Select); coding-DNA position 2742, T replaced by G.
Protein change: p.Asp914Glu; replaces aspartic acid 914 with glutamic acid.
Molecular consequence: missense variant.
Genome position (GRCh38, 1-based): chr16:3,590,896, A>C on the plus strand (T>G on the coding strand, the complement: SLX4 is on the minus strand). VCF-style: chr16-3590896-A-C. GRCh37 (hg19) VCF-style: chr16-3640897-A-C.
Other names: short protein forms D914E.
Identifiers: ClinVar variation 1487255 (VCV001487255.6), dbSNP rs1060504342, ClinGen allele CA394523045.

ClinVar aggregate classification (germline): Uncertain significance (1 of 4 stars; one submission).

Conditions:
Fanconi anemia (FA). Also called: Fanconi's anemia. Identifiers: Orphanet 84, MedGen C0015625, MeSH D005199, MONDO:0019391.

Submission:

Labcorp Genetics (formerly Invitae), Labcorp
Classification: Uncertain significance for Fanconi anemia. Last evaluated: 2022-02-10. Review status: criteria provided, single submitter. Criteria: Invitae Variant Classification Sherloc (09022015). Collection method: clinical testing. Allele origin: germline.
Comment: In summary, the available evidence is currently insufficient to determine the role of this variant in disease. Therefore, it has been classified as a Variant of Uncertain Significance. Algorithms developed to predict the effect of missense changes on protein structure and function output the following: SIFT: "Tolerated"; PolyPhen-2: "Benign"; Align-GVGD: "Class C0". The glutamic acid amino acid residue is found in multiple mammalian species, which suggests that this missense change does not adversely affect protein function. This variant has not been reported in the literature in individuals affected with SLX4-related conditions. This variant is not present in population databases (gnomAD no frequency). This sequence change replaces aspartic acid, which is acidic and polar, with glutamic acid, which is acidic and polar, at codon 914 of the SLX4 protein (p.Asp914Glu).